The following is an entry in ClinVar:

NM_003240.5(LEFTY2):c.357G>T (p.Arg119=)

Gene: LEFTY2 (left-right determination factor 2; minus strand). Cytogenetic location: 1q42.12.
Variant type: single nucleotide variant.
Coding change: c.357G>T on transcript NM_003240.5 (MANE Select); coding-DNA position 357, G replaced by T.
Protein change: p.Arg119=; no amino-acid change (arginine 119 retained).
Molecular consequence: synonymous variant. On other transcripts: intron variant (1).
Genome position (GRCh38, 1-based): chr1:225,939,896, C>A on the plus strand (G>T on the coding strand, the complement: LEFTY2 is on the minus strand). VCF-style: chr1-225939896-C-A. GRCh37 (hg19) VCF-style: chr1-226127596-C-A.
Other names: c.280-25G>T (NM_001172425.3).
Identifiers: ClinVar variation 2159485 (VCV002159485.4), dbSNP rs2465082113, ClinGen allele CA423731463.

ClinVar aggregate classification (germline): Uncertain significance (1 of 4 stars; one submission).

Conditions:
Left-right axis malformations. Identifiers: MedGen C1866091.

Allele frequency attached by ClinVar (database versions not stated): gnomAD exomes below 0.00001.

Submission:

Labcorp Genetics (formerly Invitae), Labcorp
Classification: Uncertain significance for Left-right axis malformations. Last evaluated: 2022-06-29. Review status: criteria provided, single submitter. Criteria: Invitae Variant Classification Sherloc (09022015). Collection method: clinical testing. Allele origin: germline.
Comment: In summary, the available evidence is currently insufficient to determine the role of this variant in disease. Therefore, it has been classified as a Variant of Uncertain Significance. Algorithms developed to predict the effect of sequence changes on RNA splicing suggest that this variant may create or strengthen a splice site. This variant has not been reported in the literature in individuals affected with LEFTY2-related conditions. This variant is not present in population databases (gnomAD no frequency). This sequence change affects codon 119 of the LEFTY2 mRNA. It is a 'silent' change, meaning that it does not change the encoded amino acid sequence of the LEFTY2 protein.